The following is an entry in ClinVar:

ClinVar aggregate classification (germline): Uncertain significance (1 of 4 stars; one submission).

Submission:

GeneDx
Classification: Uncertain significance. Last evaluated: 2024-12-09. Review status: criteria provided, single submitter. Criteria: GeneDx Variant Classification Process June 2021. Collection method: clinical testing. Allele origin: germline. Affected: yes.
Comment: Not observed at significant frequency in large population cohorts (gnomAD); Missense variants in this gene are a common cause of disease and they are underrepresented in the general population; In silico analysis supports that this missense variant has a deleterious effect on protein structure/function; Has not been previously published as pathogenic or benign to our knowledge

NM_001614.5(ACTG1):c.1120T>A (p.Cys374Ser)

Gene: ACTG1 (actin gamma 1; minus strand). Cytogenetic location: 17q25.3.
Variant type: single nucleotide variant.
Coding change: c.1120T>A on transcript NM_001614.5 (MANE Select); coding-DNA position 1120, T replaced by A.
Protein change: p.Cys374Ser; replaces cysteine 374 with serine.
Molecular consequence: missense variant. On other transcripts: non-coding transcript variant (1).
Genome position (GRCh38, 1-based): chr17:81,510,698, A>T on the plus strand (T>A on the coding strand, the complement: ACTG1 is on the minus strand). VCF-style: chr17-81510698-A-T. GRCh37 (hg19) VCF-style: chr17-79477724-A-T.
Other names: c.1120T>A, p.Cys374Ser (NM_001199954.3); short protein forms C374S.
Identifiers: ClinVar variation 3903297 (VCV003903297.1).